The following is an entry in ClinVar:

NM_005918.4(MDH2):c.752T>C (p.Met251Thr)

Gene: MDH2 (malate dehydrogenase 2; plus strand). Cytogenetic location: 7q11.23.
Variant type: single nucleotide variant.
Coding change: c.752T>C on transcript NM_005918.4 (MANE Select); coding-DNA position 752, T replaced by C.
Protein change: p.Met251Thr; replaces methionine 251 with threonine.
Molecular consequence: missense variant.
Genome position (GRCh38, 1-based): chr7:76,064,820, T>C. VCF-style: chr7-76064820-T-C. GRCh37 (hg19) VCF-style: chr7-75694138-T-C.
Other names: c.626T>C, p.Met209Thr (NM_001282403.2); c.431T>C, p.Met144Thr (NM_001282404.2); short protein forms M144T, M209T, M251T.
Identifiers: ClinVar variation 1759380 (VCV001759380.2), dbSNP rs941985596, ClinGen allele CA160913863.
Genomic context (GRCh38, chr7:76,064,820, plus strand): 5'-GTTTGTGGCACCAGCCAGGCTGACCTGTCTGTGCCCCCCTAGGCTCTGCCACCCTCTCCA[T>C]GGCGTATGCCGGCGCCCGCTTTGTCTTCTCCCTTGTGGATGCAATGAATGGAAAGGAAGG-3'
Protein context (NP_005909.2, residues 241-261): KAGAGSATLS[Met251Thr]AYAGARFVFS

ClinVar aggregate classification (germline): Uncertain significance (1 of 4 stars; one submission).

Conditions:
Inborn genetic diseases. Identifiers: MedGen C0950123, MeSH D030342.

Submission:

Ambry Genetics
Classification: Uncertain significance for Inborn genetic diseases. Last evaluated: 2022-04-26. Review status: criteria provided, single submitter. Criteria: Ambry Variant Classification Scheme 2023. Collection method: clinical testing. Allele origin: germline.
Comment: The p.M251T variant (also known as c.752T>C), located in coding exon 8 of the MDH2 gene, results from a T to C substitution at nucleotide position 752. The methionine at codon 251 is replaced by threonine, an amino acid with similar properties. This amino acid position is conserved. In addition, this alteration is predicted to be deleterious by in silico analysis. Since supporting evidence is limited at this time, the clinical significance of this alteration remains unclear.